The following is an entry in ClinVar:

NM_000642.3(AGL):c.4119T>C (p.Cys1373=)

Gene: AGL (amylo-alpha-1,6-glucosidase and 4-alpha-glucanotransferase; plus strand). Cytogenetic location: 1p21.2.
Variant type: single nucleotide variant.
Coding change: c.4119T>C on transcript NM_000642.3 (MANE Select); coding-DNA position 4119, T replaced by C.
Protein change: p.Cys1373=; no amino-acid change (cysteine 1373 retained).
Molecular consequence: synonymous variant.
Genome position (GRCh38, 1-based): chr1:99,913,696, T>C. VCF-style: chr1-99913696-T-C. GRCh37 (hg19) VCF-style: chr1-100379252-T-C.
Other names: c.3915T>C, p.Cys1305= (NM_001425328.1); c.3780T>C, p.Cys1260= (NM_001425329.1); c.3741T>C, p.Cys1247= (NM_001425332.1); c.4119T>C, p.Cys1373= (NM_000028.3, NM_000643.3, NM_000644.3 and 1 more transcripts); c.4071T>C, p.Cys1357= (NM_000646.3); c.4098T>C, p.Cys1366= (NM_001425326.1); c.3918T>C, p.Cys1306= (NM_001425327.1).
Identifiers: ClinVar variation 382374 (VCV000382374.9), dbSNP rs1057521342, ClinGen allele CA16603773.

ClinVar aggregate classification (germline): Likely benign. Review status: criteria provided, multiple submitters, no conflicts (2 of 4 stars). 3 submissions from 3 submitters: Likely benign (3). Last evaluated 2023-04-11.

Conditions:
Glycogen storage disease type III (GSD3). Also called: FORBES DISEASE; Cori disease. Identifiers: Orphanet 366, MedGen C0017922, MONDO:0009291, OMIM 232400.

Allele frequency attached by ClinVar (database versions not stated): gnomAD exomes below 0.00001.
gnomAD v4.1: 1 of 1,614,150 alleles (0.000062%); highest among the groups gnomAD compares: Middle Eastern, 0.017%; no homozygotes.

Submissions (3):

Genome-Nilou Lab
Classification: Likely benign for Glycogen storage disease type III. Last evaluated: 2023-04-11. Review status: criteria provided, single submitter. Criteria: ACMG Guidelines, 2015. Collection method: clinical testing. Allele origin: germline. Affected: no.

Labcorp Genetics (formerly Invitae), Labcorp
Classification: Likely benign for Glycogen storage disease type III. Last evaluated: 2021-12-01. Review status: criteria provided, single submitter. Criteria: Invitae Variant Classification Sherloc (09022015). Collection method: clinical testing. Allele origin: germline.

GeneDx
Classification: Likely benign. Last evaluated: 2016-01-25. Review status: criteria provided, single submitter. Criteria: GeneDx Variant Classification (06012015). Collection method: clinical testing. Allele origin: germline. Affected: yes.
Comment: This variant is considered likely benign or benign based on one or more of the following criteria: it is a conservative change, it occurs at a poorly conserved position in the protein, it is predicted to be benign by multiple in silico algorithms, and/or has population frequency not consistent with disease.